The following is an entry in ClinVar:

NM_033409.4(SLC52A3):c.907A>G (p.Ile303Val)

Gene: SLC52A3 (solute carrier family 52 member 3; minus strand). Cytogenetic location: 20p13.
Variant type: single nucleotide variant.
Coding change: c.907A>G on transcript NM_033409.4 (MANE Select); coding-DNA position 907, A replaced by G.
Protein change: p.Ile303Val; replaces isoleucine 303 with valine.
Molecular consequence: missense variant.
Genome position (GRCh38, 1-based): chr20:763,664, T>C on the plus strand (A>G on the coding strand, the complement: SLC52A3 is on the minus strand). VCF-style: chr20-763664-T-C. GRCh37 (hg19) VCF-style: chr20-744308-T-C.
Other names: c.907A>G, p.Ile303Val (NM_001370085.1, NM_001370086.1); short protein forms I303V.
Identifiers: ClinVar variation 262241 (VCV000262241.19), dbSNP rs3746802, ClinGen allele CA9724655.
Genomic context (GRCh38, chr20:763,664, plus strand): 5'-TCTGCACAGAGGGCAGCATGCCGTTGGTGAGCGCGTTGACGAAGGCCACCAGGGTATAGA[T>C]GAAGGCCAGGTGCGCCGGGCAGCAGGGGGCTGCTTTCTCCTCTAGATACCCCTGGCCCTG-3'
Protein context (NP_212134.3, residues 293-313): APCCPAHLAF[Ile303Val]YTLVAFVNAL

ClinVar aggregate classification (germline): Benign. Review status: criteria provided, multiple submitters, no conflicts (2 of 4 stars). 7 submissions from 7 submitters: Benign (7). Last evaluated 2026-02-04.

Conditions:
Brown-Vialetto-van Laere syndrome 1. Also called: BULBAR PALSY, PROGRESSIVE, WITH SENSORINEURAL DEAFNESS; PONTOBULBAR PALSY WITH DEAFNESS; BROWN-VIALETTO-VAN LAERE SYNDROME 1, MILD. Identifiers: Orphanet 572550, Orphanet 97229, MedGen C0796274, MONDO:0024537, OMIM 211530.
Progressive bulbar palsy of childhood. Also called: FAZIO-LONDE DISEASE; Childhood Progressive Bulbar Palsy. Identifiers: MedGen C0393540, MONDO:0100428, OMIM 211500.

Allele frequency attached by ClinVar (database versions not stated): 1000 Genomes Project 30x 0.09041; 1000 Genomes Project 0.09305; TOPMed 0.08865; gnomAD 0.09450 and 0.09243; gnomAD exomes 0.10288 and 0.10865; ESP Exome Variant Server 0.09918; ExAC 0.10537.
gnomAD v4.1: 172,994 of 1,614,092 alleles (11%); highest among the groups gnomAD compares: South Asian, 14%; 9,708 homozygotes.

Submissions (7):

Labcorp Genetics (formerly Invitae), Labcorp
Classification: Benign for Brown-Vialetto-van Laere syndrome 1. Last evaluated: 2026-02-04. Review status: criteria provided, single submitter. Criteria: Invitae Variant Classification Sherloc (09022015). Collection method: clinical testing. Allele origin: germline.

Mayo Clinic Laboratories, Mayo Clinic
Classification: Benign. Last evaluated: 2024-11-20. Review status: criteria provided, single submitter. Criteria: ACMG Guidelines, 2015. Collection method: clinical testing. Allele origin: germline. Observed: 295 variant alleles.
Comment: BA1

Fulgent Genetics
Classification: Benign for Progressive bulbar palsy of childhood; Brown-Vialetto-van Laere syndrome 1. Last evaluated: 2022-03-30. Review status: criteria provided, single submitter. Criteria: ACMG Guidelines, 2015. Collection method: clinical testing. Allele origin: unknown.

GeneDx
Classification: Benign. Last evaluated: 2018-08-01. Review status: criteria provided, single submitter. Criteria: GeneDx Variant Classification Process June 2021. Collection method: clinical testing. Allele origin: germline. Affected: yes.
Comment: This variant is associated with the following publications: (PMID: 22471455)

Laboratory for Molecular Medicine, Mass General Brigham Personalized Medicine
Classification: Benign. Last evaluated: 2017-08-23. Review status: criteria provided, single submitter. Criteria: LMM Criteria. Collection method: clinical testing. Allele origin: germline. Observed: 55 variant alleles.
Comment: p.Ile303Val in exon 3 of SLC52A3: This variant is not expected to have clinical significance because it has been identified in 13.79% (2277/16510) of South Asia n chromosomes by the Exome Aggregation Consortium (ExAC; dbSNP rs3746802).

Breakthrough Genomics
Classification: Benign. Review status: criteria provided, single submitter. Criteria: ACMG Guidelines, 2015. Collection method: not provided. Allele origin: germline. Inheritance: Autosomal recessive inheritance. Affected: yes.

PreventionGenetics, part of Exact Sciences
Classification: Benign. Review status: criteria provided, single submitter. Criteria: ACMG Guidelines, 2015. Collection method: clinical testing. Allele origin: germline.

Literature cited by the submitters: PubMed 23243084 (cited by Mayo Clinic Laboratories, Mayo Clinic); PubMed 30553531 (cited by Mayo Clinic Laboratories, Mayo Clinic).